The following is an entry in ClinVar:

NM_001429.4(EP300):c.1983T>C (p.Ala661=)

Gene: EP300 (EP300 lysine acetyltransferase; plus strand). Cytogenetic location: 22q13.2.
Variant type: single nucleotide variant.
Coding change: c.1983T>C on transcript NM_001429.4 (MANE Select); coding-DNA position 1983, T replaced by C.
Protein change: p.Ala661=; no amino-acid change (alanine 661 retained).
Molecular consequence: synonymous variant.
Genome position (GRCh38, 1-based): chr22:41,141,152, T>C. VCF-style: chr22-41141152-T-C. GRCh37 (hg19) VCF-style: chr22-41537156-T-C.
Other names: c.1983T>C (NM_001429.3); c.1983T>C, p.Ala661= (NM_001362843.2).
Identifiers: ClinVar variation 2707947 (VCV002707947.6), dbSNP rs199798718, ClinGen allele CA10252682.
Genomic context (GRCh38, chr22:41,141,152, plus strand): 5'-GAAAGAACTAGAAGAAAAACGAAGGACCAGACTACAGAAGCAGAACATGCTACCAAATGC[T>C]GCAGGCATGGTTCCAGTTTCCATGAATCCAGGGCCTAACATGGGACAGCCGCAACCAGGA-3'
Protein context (NP_001420.2, residues 651-671): RLQKQNMLPN[Ala661=]AGMVPVSMNP

ClinVar aggregate classification (germline): Benign/Likely benign. Review status: criteria provided, multiple submitters, no conflicts (2 of 4 stars). 3 submissions from 3 submitters: Benign (1); Likely benign (1). 1 of the submissions does not count toward it. Last evaluated 2026-04-29.

Conditions:
EP300-related disorder. Also called: EP300-related disorders; EP300-related condition.
Rubinstein-Taybi syndrome due to EP300 haploinsufficiency. Also called: EP300-Related Rubinstein-Taybi Syndrome; RUBINSTEIN-TAYBI SYNDROME 2. Identifiers: Orphanet 353284, Orphanet 783, MedGen C3150941, MONDO:0013364, OMIM 613684.
Inborn genetic diseases. Identifiers: MedGen C0950123, MeSH D030342.

Allele frequency attached by ClinVar (database versions not stated): ExAC 0.00002; gnomAD exomes 0.00003; ESP Exome Variant Server 0.00008; gnomAD 0.00001; TOPMed 0.00002.

Submissions (3):

Ambry Genetics
Classification: Likely benign for Inborn genetic diseases. Last evaluated: 2026-04-29. Review status: criteria provided, single submitter. Criteria: Ambry Variant Classification Scheme 2023. Collection method: clinical testing. Allele origin: germline.

Labcorp Genetics (formerly Invitae), Labcorp
Classification: Benign for Rubinstein-Taybi syndrome due to EP300 haploinsufficiency. Last evaluated: 2025-09-07. Review status: criteria provided, single submitter. Criteria: Invitae Variant Classification Sherloc (09022015). Collection method: clinical testing. Allele origin: germline.

PreventionGenetics, part of Exact Sciences
Classification: Likely benign for EP300-related condition. Last evaluated: 2023-12-07. Review status: no assertion criteria provided. Collection method: clinical testing. Allele origin: germline. Not counted in ClinVar's aggregate classification.
Comment: This variant is classified as likely benign based on ACMG/AMP sequence variant interpretation guidelines (Richards et al. 2015 PMID: 25741868, with internal and published modifications).